The following is an entry in ClinVar:

NC_000010.10:g.(?_13169725)_(13175601_?)del

Gene: OPTN (optineurin; plus strand). Cytogenetic location: 10p13.
Variant type: Deletion.
Identifiers: ClinVar variation 3244821 (VCV003244821.1).

ClinVar aggregate classification (germline): Uncertain significance (1 of 4 stars; one submission).

Conditions:
Primary open angle glaucoma (POAG). Also called: OPTN-related open angle glaucoma. Identifiers: MedGen C0339573, MONDO:0100553, OMIM 137760.
Glaucoma 1, open angle, E. Identifiers: MedGen C1842026, MONDO:0007665.
Amyotrophic lateral sclerosis type 12 (ALS12). Also called: AMYOTROPHIC LATERAL SCLEROSIS 12 WITH OR WITHOUT FRONTOTEMPORAL DEMENTIA. Identifiers: Orphanet 803, MedGen C3150692, MONDO:0013264, OMIM 613435.

Submission:

Labcorp Genetics (formerly Invitae), Labcorp
Classification: Uncertain significance for Primary open angle glaucoma; Glaucoma 1, open angle, E; Amyotrophic lateral sclerosis type 12. Last evaluated: 2023-07-26. Review status: criteria provided, single submitter. Criteria: Invitae Variant Classification Sherloc (09022015). Collection method: clinical testing. Allele origin: unknown.
Comment: In summary, the available evidence is currently insufficient to determine the role of this variant in disease. Therefore, it has been classified as a Variant of Uncertain Significance. Experimental studies and prediction algorithms are not available or were not evaluated, and the functional significance of this variant is currently unknown. A similar copy number variant has been observed in individual(s) with frontotemporal lobar degeneration (PMID: 25943890). This variant is a gross deletion of the genomic region encompassing exon(s) 11-13 of the OPTN gene. While this deletion is not anticipated to lead to nonsense mediated decay, it is expected to disrupt the C-terminus of the protein.

Literature cited by the submitters: PubMed 25943890.